The following is an entry in ClinVar:

ClinVar aggregate classification (germline): Uncertain significance (1 of 4 stars; one submission).

Conditions:
Peutz-Jeghers syndrome (PJS). Also called: POLYPOSIS, HAMARTOMATOUS INTESTINAL; POLYPS-AND-SPOTS SYNDROME; Peutz-Jeghers polyposis; Periorificial lentiginosis syndrome. Identifiers: Orphanet 2869, MedGen C0031269, MeSH D010580, MONDO:0008280, OMIM 175200.

Submission:

Labcorp Genetics (formerly Invitae), Labcorp
Classification: Uncertain significance for Peutz-Jeghers syndrome. Last evaluated: 2015-12-16. Review status: criteria provided, single submitter. Criteria: Invitae Variant Classification Sherloc (09022015). Collection method: clinical testing. Allele origin: germline.
Comment: This sequence change results in a premature translational stop signal in the last coding exon of the STK11 mRNA at codon 388 (p.Lys388*). While this is not anticipated to result in nonsense mediated decay, it is expected to create a truncated STK11 protein. This variant is not present in population databases (ExAC no frequency) and has not been reported in the literature in individuals with a STK11-related disease. Functional studies regarding the potential impact that this particular truncating variant has on protein function have not been reported. Although in vivo studies have shown that the STK11 C-terminal end contains amino acids that undergo post-translational modifications (PMID: 24295069), the clinical significance of these findings are unclear. In summary, this is a novel truncating variant with uncertain impact on protein function. In the absence of segregation or functional data, it has been classified as a Variant of Uncertain Significance

Literature cited by the submitters: PubMed 24295069.

NM_000455.5(STK11):c.1162A>T (p.Lys388Ter)

Gene: STK11 (serine/threonine kinase 11; plus strand). Cytogenetic location: 19p13.3.
Variant type: single nucleotide variant.
Coding change: c.1162A>T on transcript NM_000455.5 (MANE Select); coding-DNA position 1162, A replaced by T.
Protein change: p.Lys388Ter; replaces lysine 388 with a stop codon.
Molecular consequence: nonsense.
Genome position (GRCh38, 1-based): chr19:1,226,507, A>T. VCF-style: chr19-1226507-A-T. GRCh37 (hg19) VCF-style: chr19-1226506-A-T.
Other names: short protein forms K388*.
Identifiers: ClinVar variation 237790 (VCV000237790.8), dbSNP rs878853983, ClinGen allele CA10583792.